The following is an entry in ClinVar:

NM_000138.5(FBN1):c.2510C>T (p.Thr837Ile)

Gene: FBN1 (fibrillin 1; minus strand). Cytogenetic location: 15q21.1.
Variant type: single nucleotide variant.
Coding change: c.2510C>T on transcript NM_000138.5 (MANE Select); coding-DNA position 2510, C replaced by T.
Protein change: p.Thr837Ile; replaces threonine 837 with isoleucine.
Molecular consequence: missense variant.
Genome position (GRCh38, 1-based): chr15:48,495,498, G>A on the plus strand (C>T on the coding strand, the complement: FBN1 is on the minus strand). VCF-style: chr15-48495498-G-A. GRCh37 (hg19) VCF-style: chr15-48787695-G-A.
Other names: c.2510C>T, p.Thr837Ile (NM_001406716.1); short protein forms T837I.
Identifiers: ClinVar variation 2632957 (VCV002632957.1), dbSNP rs2505571830, ClinGen allele CA392334339.
Genomic context (GRCh38, chr15:48,495,498, plus strand): 5'-ATAGAAAAATCATTCTCAGAAAGATAAATACCTATGCAGATGGTTTTTGTTGGATCCAAA[G>A]TACTTTCAGAAGAACATTCACAAATAAAAGAGCCTGGGCTGTTCTTGCAGACTCCATTAA-3'
Protein context (NP_000129.3, residues 827-847): SFICECSSES[Thr837Ile]LDPTKTICIE

ClinVar aggregate classification (germline): Uncertain significance (1 of 4 stars; one submission).

Conditions:
FBN1-related disorder. Also called: FBN1-related disorders.

Allele frequency attached by ClinVar (database versions not stated): gnomAD exomes below 0.00001.
gnomAD v4.1: 1 of 1,614,022 alleles (0.000062%); highest among the groups gnomAD compares: Non-Finnish European, 0.000085%; no homozygotes.

Submission:

PreventionGenetics, part of Exact Sciences
Classification: Uncertain significance for FBN1-related condition. Last evaluated: 2023-05-11. Review status: criteria provided, single submitter. Criteria: ACMG Guidelines, 2015. Collection method: clinical testing. Allele origin: germline.
Comment: The FBN1 c.2510C>T variant is predicted to result in the amino acid substitution p.Thr837Ile. To our knowledge, this variant has not been reported in the literature or in a large population database, indicating this variant is rare. At this time, the clinical significance of this variant is uncertain due to the absence of conclusive functional and genetic evidence.